The following is an entry in ClinVar:

ClinVar aggregate classification (germline): Uncertain significance (1 of 4 stars; one submission).

Conditions:
UBR1-related disorder. Also called: UBR1-related condition.

Submission:

PreventionGenetics, part of Exact Sciences
Classification: Uncertain significance for UBR1-related condition. Last evaluated: 2026-04-17. Review status: criteria provided, single submitter. Criteria: ACMG Guidelines, 2015. Collection method: clinical testing. Allele origin: germline.
Comment: The UBR1 c.5129T>C variant is predicted to result in the amino acid substitution p.Leu1710Ser. To our knowledge, this variant has not been reported in the literature or in a large population database (gnomAD), indicating this variant is rare. At this time, the clinical significance of this variant is uncertain due to the absence of conclusive functional and genetic evidence.

NM_174916.3(UBR1):c.5129T>C (p.Leu1710Ser)

Gene: UBR1 (ubiquitin protein ligase E3 component n-recognin 1; minus strand). Cytogenetic location: 15q15.2.
Variant type: single nucleotide variant.
Coding change: c.5129T>C on transcript NM_174916.3 (MANE Select); coding-DNA position 5129, T replaced by C.
Protein change: p.Leu1710Ser; replaces leucine 1710 with serine.
Molecular consequence: missense variant.
Genome position (GRCh38, 1-based): chr15:42,945,450, A>G on the plus strand (T>C on the coding strand, the complement: UBR1 is on the minus strand). VCF-style: chr15-42945450-A-G. GRCh37 (hg19) VCF-style: chr15-43237648-A-G.
Other names: short protein forms L1710S.
Identifiers: ClinVar variation 4992689 (VCV004992689.1).